The following is an entry in ClinVar:

NM_001378457.1(DMXL2):c.231T>C (p.Gly77=)

Gene: DMXL2 (Dmx like 2; minus strand). Cytogenetic location: 15q21.2.
Variant type: single nucleotide variant.
Coding change: c.231T>C on transcript NM_001378457.1 (MANE Select); coding-DNA position 231, T replaced by C.
Protein change: p.Gly77=; no amino-acid change (glycine 77 retained).
Molecular consequence: synonymous variant. On other transcripts: non-coding transcript variant (2).
Genome position (GRCh38, 1-based): chr15:51,568,541, A>G on the plus strand (T>C on the coding strand, the complement: DMXL2 is on the minus strand). VCF-style: chr15-51568541-A-G. GRCh37 (hg19) VCF-style: chr15-51860738-A-G.
Other names: c.231T>C, p.Gly77= (NM_001174116.3, NM_001174117.3, NM_001378458.1 and 7 more transcripts); c.231T>C (NM_001174116.1).
Identifiers: ClinVar variation 1579928 (VCV001579928.25), dbSNP rs142324215, ClinGen allele CA7562893.

ClinVar aggregate classification (germline): Likely benign. Review status: criteria provided, multiple submitters, no conflicts (2 of 4 stars). 5 submissions from 5 submitters: Likely benign (5). Last evaluated 2026-03-01.

Conditions:
DMXL2-related disorder. Also called: DMXL2-related condition.

Allele frequency attached by ClinVar (database versions not stated): TOPMed 0.00014; gnomAD 0.00017; gnomAD exomes 0.00028 and 0.00029; ESP Exome Variant Server 0.00031; ExAC 0.00040.
gnomAD v4.1: 428 of 1,578,520 alleles (0.027%); highest among the groups gnomAD compares: Non-Finnish European, 0.034%; no homozygotes.

Submissions (5):

CeGaT Center for Human Genetics Tuebingen
Classification: Likely benign. Last evaluated: 2026-03-01. Review status: criteria provided, single submitter. Criteria: CeGaT Center For Human Genetics Tuebingen Variant Classification Criteria Version 2. Collection method: clinical testing. Allele origin: germline. Affected: yes. Observed: 4 variant alleles.
Comment: DMXL2: BP4, BP7

Labcorp Genetics (formerly Invitae), Labcorp
Classification: Likely benign. Last evaluated: 2026-01-28. Review status: criteria provided, single submitter. Criteria: Invitae Variant Classification Sherloc (09022015). Collection method: clinical testing. Allele origin: germline.

PreventionGenetics, part of Exact Sciences
Classification: Likely benign for DMXL2-related condition. Last evaluated: 2025-11-13. Review status: criteria provided, single submitter. Criteria: ACMG Guidelines, 2015. Collection method: clinical testing. Allele origin: germline.
Comment: This variant is classified as likely benign based on ACMG/AMP sequence variant interpretation guidelines (Richards et al. 2015 PMID: 25741868, with internal and published modifications).

Laboratory of Genetics, Children's Clinical University Hospital Latvia
Classification: Likely benign. Last evaluated: 2025-02-16. Review status: criteria provided, single submitter. Criteria: ACMG Guidelines, 2015. Collection method: clinical testing. Allele origin: germline. Affected: yes.

Blueprint Genetics
Classification: Likely benign. Last evaluated: 2024-10-15. Review status: criteria provided, single submitter. Criteria: ACMG Guidelines, 2015. Collection method: clinical testing. Allele origin: germline.